The following is an entry in ClinVar:

ClinVar aggregate classification (germline): Likely benign. Review status: criteria provided, multiple submitters, no conflicts (2 of 4 stars). 3 submissions from 3 submitters: Likely benign (3). Last evaluated 2026-03-13.

Conditions:
COL11A1-related disorder. Also called: COL11A1-related condition; COL11A1-related disorders.

gnomAD v4.1: 3 of 1,588,814 alleles (0.00019%); highest among the groups gnomAD compares: Non-Finnish European, 0.00026%; no homozygotes.

Submissions (3):

PreventionGenetics, part of Exact Sciences
Classification: Likely benign for COL11A1-related condition. Last evaluated: 2026-03-13. Review status: criteria provided, single submitter. Criteria: ACMG Guidelines, 2015. Collection method: clinical testing. Allele origin: germline.
Comment: This variant is classified as likely benign based on ACMG/AMP sequence variant interpretation guidelines (Richards et al. 2015 PMID: 25741868, with internal and published modifications).

Labcorp Genetics (formerly Invitae), Labcorp
Classification: Likely benign. Last evaluated: 2025-02-11. Review status: criteria provided, single submitter. Criteria: Invitae Variant Classification Sherloc (09022015). Collection method: clinical testing. Allele origin: germline.

Blueprint Genetics
Classification: Likely benign. Last evaluated: 2024-01-19. Review status: criteria provided, single submitter. Criteria: ACMG Guidelines, 2015. Collection method: clinical testing. Allele origin: germline.

NM_001854.4(COL11A1):c.1794A>T (p.Gly598=)

Gene: COL11A1 (collagen type XI alpha 1 chain; minus strand). Cytogenetic location: 1p21.1.
Variant type: single nucleotide variant.
Coding change: c.1794A>T on transcript NM_001854.4 (MANE Select); coding-DNA position 1794, A replaced by T.
Protein change: p.Gly598=; no amino-acid change (glycine 598 retained).
Molecular consequence: synonymous variant. On other transcripts: non-coding transcript variant (1).
Genome position (GRCh38, 1-based): chr1:103,005,889, T>A on the plus strand (A>T on the coding strand, the complement: COL11A1 is on the minus strand). VCF-style: chr1-103005889-T-A. GRCh37 (hg19) VCF-style: chr1-103471445-T-A.
Other names: c.1794A>T (NM_001854.3); c.1446A>T, p.Gly482= (NM_001168249.1, NM_080630.4); c.1677A>T, p.Gly559= (NM_001190709.2); c.1830A>T, p.Gly610= (NM_080629.3).
Identifiers: ClinVar variation 3008666 (VCV003008666.5), dbSNP rs199986197, ClinGen allele CA27731778.